The following is an entry in ClinVar:

ClinVar aggregate classification (germline): Uncertain significance (1 of 4 stars; one submission).

Conditions:
Cardiomyopathy (CMYO). Also called: Cardiomyopathies. Identifiers: Orphanet 167848, MedGen C0878544, MONDO:0004994, HP:0001638. Inheritance: Various modes of inheritance.

gnomAD v4.1: 1 of 1,599,802 alleles (0.000063%); highest among the groups gnomAD compares: Non-Finnish European, 0.000085%; no homozygotes.

Submission:

All of Us Research Program, National Institutes of Health
Classification: Uncertain significance for Cardiomyopathy. Last evaluated: 2024-08-13. Review status: criteria provided, single submitter. Criteria: ACMG Guidelines, 2015. Collection method: clinical testing. Allele origin: germline. Inheritance: Autosomal dominant inheritance. Observed: 1 variant allele, 1 heterozygote.
Comment: This missense variant replaces lysine with asparagine at codon 273 of the TNNT2 protein. Computational prediction is inconclusive regarding the impact of this variant on protein structure and function (internally defined REVEL score threshold 0.5 < inconclusive < 0.7, PMID: 27666373). To our knowledge, functional studies have not been reported for this variant. This variant has not been reported in individuals affected with TNNT2-related disorders in the literature. This variant has not been identified in the general population by the Genome Aggregation Database (gnomAD). The available evidence is insufficient to determine the role of this variant in disease conclusively. Therefore, this variant is classified as a Variant of Uncertain Significance.

This study involves interpretation of variants in research participants for the purpose of population health screening. Participant phenotype was not available at the time of variant classification. Additional details can be found in publication PMID: 35346344, PMCID: PMC8962531

NM_001276345.2(TNNT2):c.849A>T (p.Lys283Asn)

Gene: TNNT2 (troponin T2, cardiac type; minus strand). Cytogenetic location: 1q32.1.
Variant type: single nucleotide variant.
Coding change: c.849A>T on transcript NM_001276345.2 (MANE Select); coding-DNA position 849, A replaced by T.
Protein change: p.Lys283Asn; replaces lysine 283 with asparagine.
Molecular consequence: missense variant.
Genome position (GRCh38, 1-based): chr1:201,359,625, T>A on the plus strand (A>T on the coding strand, the complement: TNNT2 is on the minus strand). VCF-style: chr1-201359625-T-A. GRCh37 (hg19) VCF-style: chr1-201328753-T-A.
Other names: c.840A>T, p.Lys280Asn (NM_000364.4, NM_001406723.1); c.819A>T, p.Lys273Asn (NM_001001430.3, NM_001276347.2, NM_001406724.1); c.810A>T, p.Lys270Asn (NM_001001431.3, NM_001406726.1, NM_001406727.1); c.801A>T, p.Lys267Asn (NM_001001432.3); c.720A>T, p.Lys240Asn (NM_001276346.2); c.816A>T, p.Lys272Asn (NM_001406725.1); c.804A>T, p.Lys268Asn (NM_001406728.1); short protein forms K240N, K267N, K268N, K270N, K272N, K273N, K280N, K283N.
Identifiers: ClinVar variation 3386111 (VCV003386111.1).